The following is an entry in ClinVar:

NM_000030.3(AGXT):c.731T>C (p.Ile244Thr)

Gene: AGXT (alanine--glyoxylate aminotransferase; plus strand). Cytogenetic location: 2q37.3.
Variant type: single nucleotide variant.
Coding change: c.731T>C on transcript NM_000030.3 (MANE Select); coding-DNA position 731, T replaced by C.
Protein change: p.Ile244Thr; replaces isoleucine 244 with threonine.
Molecular consequence: missense variant.
Genome position (GRCh38, 1-based): chr2:240,875,159, T>C. VCF-style: chr2-240875159-T-C. GRCh37 (hg19) VCF-style: chr2-241814576-T-C.
Other names: short protein forms I244T.
Identifiers: ClinVar variation 5646 (VCV000005646.35), dbSNP rs121908525, ClinGen allele CA340445.

ClinVar aggregate classification (germline): Pathogenic. Review status: criteria provided, multiple submitters, no conflicts (2 of 4 stars). 17 submissions from 17 submitters: Pathogenic (13). 4 of the submissions do not count toward it. Last evaluated 2026-03-03.

Conditions:
AGXT-related disorder. Also called: AGXT-related condition.
Nephrocalcinosis. Also called: Hypercalcemic nephropathy. Identifiers: MedGen C0027709, MONDO:0001567, HP:0000121.
Kidney stone. Also called: Nephrolithiasis. Identifiers: MedGen C0392525, MONDO:0008171, HP:0000787.
Primary hyperoxaluria. Identifiers: Orphanet 416, MedGen C0020501, MONDO:0002474.
Primary hyperoxaluria, type I (HP1). Also called: GLYCOLIC ACIDURIA; HEPATIC AGT DEFICIENCY; OXALOSIS I; Primary hyperoxaluria type 1. Identifiers: Orphanet 416, Orphanet 93598, MedGen C0268164, MONDO:0009823, OMIM 259900. Disease mechanism: loss of function.

Allele frequency attached by ClinVar (database versions not stated): gnomAD 0.00003 and 0.00006; ExAC 0.00003; gnomAD exomes 0.00002 and 0.00004; TOPMed 0.00004.
gnomAD v4.1: 46 of 1,613,868 alleles (0.0029%); highest among the groups gnomAD compares: Admixed American, 0.027%; no homozygotes.

Submissions 1 to 11 of 17:

PreventionGenetics, part of Exact Sciences
Classification: Pathogenic for AGXT-related condition. Last evaluated: 2026-03-03. Review status: criteria provided, single submitter. Criteria: ACMG Guidelines, 2015. Collection method: clinical testing. Allele origin: germline.
Comment: The AGXT c.731T>C variant is predicted to result in the amino acid substitution p.Ile244Thr. This variant has been reported in the homozygous or compound heterozygous state in many individuals with primary hyperoxaluria type 1 and is one of the most frequent causative variants (Mandrile et al. 2014. PubMed ID: 24988064; Ahmed et al. 2022. PubMed ID: 35661454; Monico et al. 2007. PubMed ID: 17460142; Rhuma et al. 2018. PubMed ID: 29456205). A large Libyan cohort study of individuals with primary hyperoxaluria type 1 indicated this was a founder variant in this population (Rhuma et al. 2018. PubMed ID: 29456205). Of note, the p.Ile244Thr variant is many times observed with a common variant, c.32C>T p.Pro11Leu. Functional studies indicate that the Pro11Leu variant modifies the effect of the p.Ile244Thr and reduces protein activity and localization (Santana et al. 2003. PubMed ID: 12777626; Fargue et al. 2013. PubMed ID: 23229545; Dindo et al. 2017. PubMed ID: 28906061). This variant is reported in 0.028% of alleles in individuals of Latino descent in gnomAD. This variant is interpreted as pathogenic for autosomal recessive AGXT-related disorders.

Labcorp Genetics (formerly Invitae), Labcorp
Classification: Pathogenic. Last evaluated: 2026-02-04. Review status: criteria provided, single submitter. Criteria: Invitae Variant Classification Sherloc (09022015). Collection method: clinical testing. Allele origin: germline.
Comment: This sequence change replaces isoleucine, which is neutral and non-polar, with threonine, which is neutral and polar, at codon 244 of the AGXT protein (p.Ile244Thr). This variant is present in population databases (rs121908525, gnomAD 0.03%). This missense change has been observed in individual(s) with hyperoxaluria (PMID: 9192270). ClinVar contains an entry for this variant (Variation ID: 5646). Invitae Evidence Modeling of protein sequence and biophysical properties (such as structural, functional, and spatial information, amino acid conservation, physicochemical variation, residue mobility, and thermodynamic stability) indicates that this missense variant is not expected to disrupt AGXT protein function with a negative predictive value of 80%. Experimental studies have shown that this missense change affects AGXT function (PMID: 23229545). For these reasons, this variant has been classified as Pathogenic.

Natera, Inc.
Classification: Pathogenic for Primary hyperoxaluria type I. Last evaluated: 2025-12-08. Review status: criteria provided, single submitter. Criteria: Natera Variant Classification Schema (03/2026). Collection method: clinical testing. Allele origin: germline.
Comment: The c.731T>C variant in AGXT is a missense variant predicted to cause substitution of isoleucine to threonine at amino acid 244. This variant is rare in the general population with a frequency below the threshold expected for the associated phenotype(s). This variant has been observed in one or more individuals affected with the associated recessive disease, as either homozygous or compound heterozygous with a second variant (PMID: 20016466). Given the available evidence, this variant is classified as Pathogenic.

Rare Kidney Stone Consortium and the Mayo Clinic Hyperoxaluria Center, Mayo Clinic
Classification: Pathogenic for Primary hyperoxaluria, type I. Last evaluated: 2025-10-03. Review status: criteria provided, single submitter. Criteria: ACMG Guidelines, 2015. Collection method: research. Allele origin: germline. Affected: yes. Observed: 8 variant alleles.
Comment: ACMG:PM2, PM5, PP2, PP3, PP5

GeneDx
Classification: Pathogenic. Last evaluated: 2025-06-25. Review status: criteria provided, single submitter. Criteria: GeneDx Variant Classification Process June 2021. Collection method: clinical testing. Allele origin: germline. Affected: yes.
Comment: Functional studies demonstrate that in the absence of the p.(P11L) risk allele, p.(I244T) mutant AGT protein is soluble and catalytically active; however, in the presence of the p.(P11L) risk allele in cis with the p.(I244T) variant, the AGT protein is misrouted to the mitochondria, resulting in protein aggregation into inclusion bodies (PMID: 10960483, 23229545); In silico analysis supports that this missense variant has a deleterious effect on protein structure/function; This variant is associated with the following publications: (PMID: 18782763, 36938085, 23597595, 23229545, 24205397, 12777626, 9192270, 22844106, 24988064, 27135212, 26161999, 28893421, 28906061, 24012869, 29456205, 31905342, 34082749, 31589614, 11156702, 35812297, 36151119, 35661454, 38657121, 10960483)

3billion
Classification: Pathogenic for Primary hyperoxaluria, type I. Last evaluated: 2025-05-26. Review status: criteria provided, single submitter. Criteria: ACMG Guidelines, 2015. Collection method: clinical testing. Allele origin: germline. Affected: yes.
Comment: The variant is observed at an extremely low frequency in the gnomAD v4.1.0 dataset (total allele frequency: 0.003%). Predicted Consequence/Location: Missense variant Functional studies provide moderate evidence of the variant having a damaging effect on the gene or gene product (PMID: 23229545). In silico tool predictions suggest damaging effect of the variant on gene or gene product [REVEL: 0.73 (>=0.6, sensitivity 0.68 and specificity 0.92); 3Cnet: 0.99 (> 0.75, sensitivity 0.96 and precision 0.92)]. The same nucleotide change resulting in the same amino acid change has been previously reported as pathogenic/likely pathogenic with strong evidence (ClinVar ID: VCV000005646 /PMID: 9192270 /3billion dataset). The variant has been reported to be in trans with a pathogenic variant as either compound heterozygous or homozygous in at least one similarly affected unrelated individual (PMID: 9192270). A different missense change at the same codon (p.Ile244Asn) has been reported to be associated with AGXT-related disorder (ClinVar ID: VCV002671858). Therefore, this variant is classified as Pathogenic according to the recommendation of ACMG/AMP guideline.

Blueprint Genetics
Classification: Pathogenic for AGXT-related disorders. Last evaluated: 2024-10-11. Review status: criteria provided, single submitter. Criteria: ACMG Guidelines, 2015. Collection method: clinical testing. Allele origin: germline. Affected: yes. Observed: 3 variant alleles.

Fulgent Genetics
Classification: Pathogenic for Primary hyperoxaluria, type I. Last evaluated: 2024-05-30. Review status: criteria provided, single submitter. Criteria: ACMG Guidelines, 2015. Collection method: clinical testing. Allele origin: germline.

Eurofins-Biomnis
Classification: Pathogenic for Primary hyperoxaluria, type I. Last evaluated: 2022-10-14. Review status: criteria provided, single submitter. Criteria: Accession Criteria ClinVar Biomnis. Collection method: clinical testing. Allele origin: germline. Affected: yes. Observed: 1 homozygote.

Revvity Omics, Revvity
Classification: Pathogenic for Primary hyperoxaluria, type I. Last evaluated: 2022-06-03. Review status: criteria provided, single submitter. Criteria: ACMG Guidelines, 2015. Collection method: clinical testing. Allele origin: germline.

Myriad Genetics, Inc.
Classification: Pathogenic for Primary hyperoxaluria, type I. Last evaluated: 2019-12-09. Review status: criteria provided, single submitter. Criteria: Myriad Women's Health Autosomal Recessive and X-Linked Classification Criteria (2019). Collection method: clinical testing. Allele origin: unknown.
Comment: NM_000030.2(AGXT):c.731T>C(I244T) is classified as pathogenic in the context of primary hyperoxaluria type 1. Sources cited for classification include the following: PMID 23229545, 10960483, 9192270, 10541294, 24988064, 24012869, 16912707 and 12777626. Classification of NM_000030.2(AGXT):c.731T>C(I244T) is based on the following criteria: This is a well-established pathogenic variant in the literature that has been observed more frequently in patients with clinical diagnoses than in healthy populations. Please note: this variant was assessed in the context of healthy population screening.